The following is an entry in ClinVar:

ClinVar aggregate classification (germline): Likely benign (1 of 4 stars; one submission).

Submission:

CeGaT Center for Human Genetics Tuebingen
Classification: Likely benign. Last evaluated: 2024-09-01. Review status: criteria provided, single submitter. Criteria: CeGaT Center For Human Genetics Tuebingen Variant Classification Criteria Version 2. Collection method: clinical testing. Allele origin: germline. Affected: yes. Observed: 3 variant alleles.
Comment: MUC5B: PM4, BS1

NM_002458.3(MUC5B):c.7599_7676del (p.Ser2536_Thr2561del)

Genes: MUC5B-AS1 (MUC5B antisense RNA 1; minus strand), MUC5B (mucin 5B, oligomeric mucus/gel-forming; plus strand). Cytogenetic location: 11p15.5.
Variant type: Deletion.
Coding change: c.7599_7676del on transcript NM_002458.3 (MANE Select); coding-DNA positions 7599 to 7676, 78 bases deleted.
Protein change: p.Ser2536_Thr2561del.
Molecular consequence: inframe deletion.
Genome position (GRCh38, 1-based): chr11:1,244,479-1,244,556, 78 bases deleted. GRCh37 (hg19): chr11:1,265,709-1,265,786.
Identifiers: ClinVar variation 3257063 (VCV003257063.17).